The following is an entry in ClinVar:

ClinVar aggregate classification (germline): Uncertain significance (1 of 4 stars; one submission).

Conditions:
Epilepsy, familial focal, with variable foci 3 (FFEVF3). Identifiers: MedGen C4310708, MONDO:0014925, OMIM 617118.

Submission:

Labcorp Genetics (formerly Invitae), Labcorp
Classification: Uncertain significance for Epilepsy, familial focal, with variable foci 3. Last evaluated: 2020-10-13. Review status: criteria provided, single submitter. Criteria: Invitae Variant Classification Sherloc (09022015). Collection method: clinical testing. Allele origin: germline.
Comment: This variant results in a copy number gain of the genomic region encompassing exons 2-7 of the NPRL3 gene. The 5' end of this event is unknown as it extends beyond the assayed region for this gene and therefore may encompass additional genes. The 3' boundary is likely confined to intron 7 of the NPRL3 gene. As the precise location of this event is unknown, it may be in tandem or it may be located elsewhere in the genome. This variant has not been reported in the literature in individuals with NPRL3-related disease. In summary, the available evidence is currently insufficient to determine the role of this variant in disease. Therefore, it has been classified as a Variant of Uncertain Significance.

NC_000016.9:g.(?_160513)_(188266_?)dup

Gene: NPRL3 (NPR3 like, GATOR1 complex subunit; minus strand). Cytogenetic location: 16p13.3.
Variant type: Duplication.
Identifiers: ClinVar variation 999228 (VCV000999228.1).